The following is an entry in ClinVar:

NM_001099271.2(POC5):c.184G>A (p.Val62Ile)

Gene: POC5 (POC5 centriolar protein; minus strand). Cytogenetic location: 5q13.3.
Variant type: single nucleotide variant.
Coding change: c.184G>A on transcript NM_001099271.2 (MANE Select); coding-DNA position 184, G replaced by A.
Protein change: p.Val62Ile; replaces valine 62 with isoleucine.
Molecular consequence: missense variant.
Genome position (GRCh38, 1-based): chr5:75,707,776, C>T on the plus strand (G>A on the coding strand, the complement: POC5 is on the minus strand). VCF-style: chr5-75707776-C-T. GRCh37 (hg19) VCF-style: chr5-75003601-C-T.
Other names: c.109G>A, p.Val37Ile (NM_152408.3); short protein forms V37I, V62I.
Identifiers: ClinVar variation 1505041 (VCV001505041.6), dbSNP rs2112198561, ClinGen allele CA360150935.

ClinVar aggregate classification (germline): Uncertain significance (1 of 4 stars; one submission).

Allele frequency attached by ClinVar (database versions not stated): gnomAD exomes below 0.00001.
gnomAD v4.1: 4 of 1,565,458 alleles (0.00026%); highest among the groups gnomAD compares: Non-Finnish European, 0.00035%; no homozygotes.

Submission:

Labcorp Genetics (formerly Invitae), Labcorp
Classification: Uncertain significance. Last evaluated: 2025-04-28. Review status: criteria provided, single submitter. Criteria: Invitae Variant Classification Sherloc (09022015). Collection method: clinical testing. Allele origin: germline.
Comment: This sequence change replaces valine, which is neutral and non-polar, with isoleucine, which is neutral and non-polar, at codon 62 of the POC5 protein (p.Val62Ile). This variant is not present in population databases (gnomAD no frequency). This variant has not been reported in the literature in individuals affected with POC5-related conditions. ClinVar contains an entry for this variant (Variation ID: 1505041). An algorithm developed to predict the effect of missense changes on protein structure and function outputs the following: PolyPhen-2: "Benign". The isoleucine amino acid residue is found in multiple mammalian species, which suggests that this missense change does not adversely affect protein function. In summary, the available evidence is currently insufficient to determine the role of this variant in disease. Therefore, it has been classified as a Variant of Uncertain Significance.